The following is an entry in ClinVar:

ClinVar aggregate classification (germline): Pathogenic (1 of 4 stars; one submission).

Submission:

Labcorp Genetics (formerly Invitae), Labcorp
Classification: Pathogenic. Last evaluated: 2023-04-01. Review status: criteria provided, single submitter. Criteria: Invitae Variant Classification Sherloc (09022015). Collection method: clinical testing. Allele origin: germline.
Comment: This variant has not been reported in the literature in individuals affected with LRP2-related conditions. For these reasons, this variant has been classified as Pathogenic. This variant is not present in population databases (gnomAD no frequency). This sequence change creates a premature translational stop signal (p.Leu311Valfs*12) in the LRP2 gene. It is expected to result in an absent or disrupted protein product. Loss-of-function variants in LRP2 are known to be pathogenic (PMID: 17632512, 25682901).

Literature cited by the submitters: PubMed 17632512; PubMed 25682901.

NM_004525.3(LRP2):c.931_932del (p.Leu311fs)

Gene: LRP2 (LDL receptor related protein 2; minus strand). Cytogenetic location: 2q31.1.
Variant type: Microsatellite.
Coding change: c.931_932del on transcript NM_004525.3 (MANE Select); coding-DNA positions 931 to 932, 2 bases deleted (CT; older notation c.931_932delCT).
Protein change: p.Leu311fs; shifts the reading frame from leucine 311.
Molecular consequence: frameshift variant.
Genome position (GRCh38, 1-based): chr2:169,289,136-169,289,137, AG deleted on the plus strand (CT on the coding strand, the reverse complement: LRP2 is on the minus strand); deleting any 2 consecutive bases within chr2:169,289,136-169,289,139 gives the same sequence; the c. name uses the placement nearest the transcript's 3' end. VCF-style (leftmost placement, unchanged base first): chr2-169289135-CAG-C. GRCh37 (hg19) VCF-style: chr2-170145645-CAG-C.
Other names: short protein forms L311fs.
Identifiers: ClinVar variation 2851504 (VCV002851504.3), dbSNP rs2528548650, ClinGen allele CA645524250.